The following is an entry in ClinVar:

ClinVar aggregate classification (germline): Uncertain significance (1 of 4 stars; one submission).

Conditions:
Hereditary cancer-predisposing syndrome. Also called: Neoplastic Syndromes, Hereditary; Tumor predisposition; Hereditary Cancer Syndrome; Hereditary neoplastic syndrome. Identifiers: Orphanet 140162, MedGen C0027672, MeSH D009386, MONDO:0015356.

Submission:

Ambry Genetics
Classification: Uncertain significance for Hereditary cancer-predisposing syndrome. Last evaluated: 2014-10-13. Review status: criteria provided, single submitter. Criteria: Ambry Variant Classification Scheme 2023. Collection method: clinical testing. Allele origin: germline.
Comment: The p.L901V variant (also known as c.2701C>G), located in coding exon 7 of the PALB2 gene, results from a C to G substitution at nucleotide position 2701. The leucine at codon 901 is replaced by valine, an amino acid with highly similar properties. This variant was not reported in population based cohorts in the following databases: Database of Single Nucleotide Polymorphisms (dbSNP), NHLBI Exome Sequencing Project (ESP), and 1000 Genomes Project. In the ESP, this variant was not observed in 6497 samples (12994 alleles) with coverage at this position. To date, this alteration has been detected with an allele frequency of approximately 0.004% (greater than 23000 alleles tested) in our clinical cohort. This amino acid position is well conserved in available vertebrate species. In addition, this alteration is predicted to be benign and tolerated by PolyPhen and SIFT in silico analyses, respectively. Since supporting evidence is limited at this time, the clinical significance of p.L901V remains unclear.

NM_024675.4(PALB2):c.2701C>G (p.Leu901Val)

Gene: PALB2 (partner and localizer of BRCA2; minus strand). Cytogenetic location: 16p12.2.
Variant type: single nucleotide variant.
Coding change: c.2701C>G on transcript NM_024675.4 (MANE Select); coding-DNA position 2701, C replaced by G.
Protein change: p.Leu901Val; replaces leucine 901 with valine.
Molecular consequence: missense variant.
Genome position (GRCh38, 1-based): chr16:23,626,283, G>C on the plus strand (C>G on the coding strand, the complement: PALB2 is on the minus strand). VCF-style: chr16-23626283-G-C. GRCh37 (hg19) VCF-style: chr16-23637604-G-C.
Other names: short protein forms L901V.
Identifiers: ClinVar variation 186534 (VCV000186534.5), dbSNP rs786203022, ClinGen allele CA195108.